The following is an entry in ClinVar:

ClinVar aggregate classification (germline): Benign. Review status: criteria provided, multiple submitters, no conflicts (2 of 4 stars). 3 submissions from 3 submitters: Benign (2). 1 of the submissions does not count toward it. Last evaluated 2015-02-12.

Allele frequency attached by ClinVar (database versions not stated): ESP Exome Variant Server 0.00038; gnomAD exomes 0.00423 and 0.01564; gnomAD 0.00463 and 0.00532; TOPMed 0.00961; ExAC 0.01292; 1000 Genomes Project 0.01695; 1000 Genomes Project 30x 0.01727.
gnomAD v4.1: 5,243 of 1,209,684 alleles (0.43%); highest among the groups gnomAD compares: Admixed American, 6.8%; 154 homozygotes.

Submissions (3):

Eurofins Ntd Llc (ga)
Classification: Benign. Last evaluated: 2015-02-12. Review status: criteria provided, single submitter. Criteria: EGL Classification Definitions 2015. Collection method: clinical testing. Allele origin: germline. Observed: 1 variant allele, 1 hemizygote.

Breakthrough Genomics
Classification: Benign. Review status: criteria provided, single submitter. Criteria: ACMG Guidelines, 2015. Collection method: not provided. Allele origin: germline. Inheritance: X-linked inheritance. Affected: yes.

Genetic Services Laboratory, University of Chicago
Classification: Likely benign for AllHighlyPenetrant. Review status: no assertion criteria provided. Collection method: clinical testing. Allele origin: germline. Inheritance: X-linked inheritance. Not counted in ClinVar's aggregate classification.
Comment: Likely benign based on allele frequency in 1000 Genomes Project or ESP global frequency and its presence in a patient with a rare or unrelated disease phenotype. NOT Sanger confirmed.

NM_006013.5(RPL10):c.23+9T>A

Gene: RPL10 (ribosomal protein L10; plus strand). Cytogenetic location: Xq28.
Variant type: single nucleotide variant.
Coding change: c.23+9T>A on transcript NM_006013.5 (MANE Select); 9 bases into the intron after coding-DNA position 23, T replaced by A.
Molecular consequence: intron variant.
Genome position (GRCh38, 1-based): chrX:154,398,551, T>A. VCF-style: chrX-154398551-T-A. GRCh37 (hg19) VCF-style: chrX-153626892-T-A.
Other names: c.23+9T>A (NM_001303625.1, NM_001256577.2, NM_001256580.2 and 2 more transcripts).
Identifiers: ClinVar variation 130161 (VCV000130161.11), dbSNP rs2070820, ClinGen allele CA154979.